The following is an entry in ClinVar:

NM_006017.3(PROM1):c.2479G>A (p.Val827Met)

Gene: PROM1 (prominin 1; minus strand). Cytogenetic location: 4p15.32.
Variant type: single nucleotide variant.
Coding change: c.2479G>A on transcript NM_006017.3 (MANE Select); coding-DNA position 2479, G replaced by A.
Protein change: p.Val827Met; replaces valine 827 with methionine.
Molecular consequence: missense variant.
Genome position (GRCh38, 1-based): chr4:15,980,432, C>T on the plus strand (G>A on the coding strand, the complement: PROM1 is on the minus strand). VCF-style: chr4-15980432-C-T. GRCh37 (hg19) VCF-style: chr4-15982055-C-T.
Other names: c.2452G>A, p.Val818Met (NM_001145847.2, NM_001145848.2, NM_001145851.2 and 4 more transcripts); c.2479G>A, p.Val827Met (NM_001145849.2, NM_001145850.2); short protein forms V818M, V827M.
Identifiers: ClinVar variation 866800 (VCV000866800.9), dbSNP rs866191488, ClinGen allele CA92566379.

ClinVar aggregate classification (germline): Uncertain significance. Review status: criteria provided, multiple submitters, no conflicts (2 of 4 stars). 4 submissions from 4 submitters: Uncertain significance (4). Last evaluated 2025-04-25.

Conditions:
Inborn genetic diseases. Identifiers: MedGen C0950123, MeSH D030342.
Retinal dystrophy. Also called: Inherited retinal dystrophy. Identifiers: Orphanet 71862, MedGen C0854723, MeSH D058499, MONDO:0019118, HP:0000556.

Allele frequency attached by ClinVar (database versions not stated): gnomAD 0.00001.

Submissions (4):

Ambry Genetics
Classification: Uncertain significance for Inborn genetic diseases. Last evaluated: 2025-04-25. Review status: criteria provided, single submitter. Criteria: Ambry Variant Classification Scheme 2023. Collection method: clinical testing. Allele origin: germline.

Labcorp Genetics (formerly Invitae), Labcorp
Classification: Uncertain significance. Last evaluated: 2025-02-13. Review status: criteria provided, single submitter. Criteria: Invitae Variant Classification Sherloc (09022015). Collection method: clinical testing. Allele origin: germline.
Comment: This sequence change replaces valine, which is neutral and non-polar, with methionine, which is neutral and non-polar, at codon 827 of the PROM1 protein (p.Val827Met). This variant is not present in population databases (gnomAD no frequency). This variant has not been reported in the literature in individuals affected with PROM1-related conditions. ClinVar contains an entry for this variant (Variation ID: 866800). Invitae Evidence Modeling of protein sequence and biophysical properties (such as structural, functional, and spatial information, amino acid conservation, physicochemical variation, residue mobility, and thermodynamic stability) indicates that this missense variant is not expected to disrupt PROM1 protein function with a negative predictive value of 80%. In summary, the available evidence is currently insufficient to determine the role of this variant in disease. Therefore, it has been classified as a Variant of Uncertain Significance.

Dept Of Ophthalmology, Nagoya University
Classification: Uncertain significance for Retinal dystrophy. Last evaluated: 2023-10-01. Review status: criteria provided, single submitter. Criteria: Submitter's publication. Collection method: research. Allele origin: germline. Affected: yes.

Blueprint Genetics
Classification: Uncertain significance. Last evaluated: 2018-08-02. Review status: criteria provided, single submitter. Criteria: ACMG Guidelines, 2015. Collection method: clinical testing. Allele origin: germline.